The following is an entry in ClinVar:

NM_000020.3(ACVRL1):c.*869C>T

Gene: ACVRL1 (activin A receptor like type 1; plus strand). Cytogenetic location: 12q13.13.
Variant type: single nucleotide variant.
Coding change: c.*869C>T on transcript NM_000020.3 (MANE Select); 869 bases downstream of the stop codon, C replaced by T.
Molecular consequence: 3 prime UTR variant.
Genome position (GRCh38, 1-based): chr12:51,921,762, C>T. VCF-style: chr12-51921762-C-T. GRCh37 (hg19) VCF-style: chr12-52315546-C-T.
Other names: c.*869C>T (NM_001077401.2).
Identifiers: ClinVar variation 309457 (VCV000309457.6), dbSNP rs113690319, ClinGen allele CA10633143.

ClinVar aggregate classification (germline): Benign. Review status: criteria provided, multiple submitters, no conflicts (2 of 4 stars). 2 submissions from 2 submitters: Benign (2). Last evaluated 2018-01-13.

Conditions:
Telangiectasia, hereditary hemorrhagic, type 2 (HHT2). Also called: ACVRL1-Related Hereditary Hemorrhagic Telangiectasia; Telangiectasia, hereditary hemorrhagic, type II. Identifiers: Orphanet 774, MedGen C1838163, MONDO:0010880, OMIM 600376. Disease mechanism: loss of function.

Allele frequency attached by ClinVar (database versions not stated): 1000 Genomes Project 30x 0.12242; 1000 Genomes Project 0.12260; gnomAD 0.12603 and 0.12912; TOPMed 0.13197.

Submissions (2):

Illumina Laboratory Services, Illumina
Classification: Benign for Telangiectasia, hereditary hemorrhagic, type 2. Last evaluated: 2018-01-13. Review status: criteria provided, single submitter. Criteria: ICSL Variant Classification Criteria 13 December 2019. Collection method: clinical testing. Allele origin: germline.
Comment: This variant was observed in the ICSL laboratory as part of a predisposition screen in an ostensibly healthy population. It had not been previously curated by ICSL or reported in the Human Gene Mutation Database (HGMD: prior to June 1st, 2018), and was therefore a candidate for classification through an automated scoring system. Utilizing variant allele frequency, disease prevalence and penetrance estimates, and inheritance mode, an automated score was calculated to assess if this variant is too frequent to cause the disease. Based on the score and internal cut-off values, a variant classified as benign is not then subjected to further curation. The score for this variant resulted in a classification of benign for this disease.

Breakthrough Genomics
Classification: Benign. Review status: criteria provided, single submitter. Criteria: ACMG Guidelines, 2015. Collection method: not provided. Allele origin: germline. Inheritance: Autosomal dominant inheritance. Affected: yes.